The following is an entry in ClinVar:

ClinVar aggregate classification (germline): Uncertain significance. Review status: criteria provided, multiple submitters, no conflicts (2 of 4 stars). 2 submissions from 2 submitters: Uncertain significance (2). Last evaluated 2024-07-02.

Conditions:
Familial thoracic aortic aneurysm and aortic dissection (TAAD). Also called: Thoracic aortic aneurysms and dissections. Identifiers: Orphanet 91387, MedGen C4707243, MONDO:0019625.
Ehlers-Danlos syndrome, type 4 (EDSVASC). Also called: Ehlers-Danlos Syndrome Type IV; Ehlers-Danlos syndrome vascular type; Ehlers Danlos syndrome, ecchymotic type; Ehlers Danlos syndrome, arterial type; Ehlers Danlos syndrome, Sack-Barabas type. Identifiers: Orphanet 286, MedGen C0268338, MONDO:0017314, OMIM 130050.

Submissions (2):

All of Us Research Program, National Institutes of Health
Classification: Uncertain significance for Ehlers-Danlos syndrome, type 4. Last evaluated: 2024-07-02. Review status: criteria provided, single submitter. Criteria: ACMG Guidelines, 2015. Collection method: clinical testing. Allele origin: germline. Inheritance: Autosomal dominant inheritance. Observed: 1 variant allele, 1 heterozygote.
Comment: This study involves interpretation of variants in research participants for the purpose of population health screening. Participant phenotype was not available at the time of variant classification. Additional details can be found in publication PMID: 35346344, PMCID: PMC8962531

Color Diagnostics, LLC DBA Color Health
Classification: Uncertain significance for Familial thoracic aortic aneurysm and aortic dissection. Last evaluated: 2023-12-04. Review status: criteria provided, single submitter. Criteria: ACMG Guidelines, 2015. Collection method: clinical testing. Allele origin: germline.
Comment: This missense variant replaces isoleucine with valine at codon 1444 of the COL3A1 protein. Computational prediction suggests that this variant may not impact protein structure and function (internally defined REVEL score threshold <= 0.5, PMID: 27666373). To our knowledge, functional studies have not been reported for this variant. This variant has not been reported in individuals affected with COL3A1-related disorders in the literature. This variant has not been identified in the general population by the Genome Aggregation Database (gnomAD). The available evidence is insufficient to determine the role of this variant in disease conclusively. Therefore, this variant is classified as a Variant of Uncertain Significance.

NM_000090.4(COL3A1):c.4330A>G (p.Ile1444Val)

Gene: COL3A1 (collagen type III alpha 1 chain; plus strand). Cytogenetic location: 2q32.2.
Variant type: single nucleotide variant.
Coding change: c.4330A>G on transcript NM_000090.4 (MANE Select); coding-DNA position 4330, A replaced by G.
Protein change: p.Ile1444Val; replaces isoleucine 1444 with valine.
Molecular consequence: missense variant.
Genome position (GRCh38, 1-based): chr2:189,011,703, A>G. VCF-style: chr2-189011703-A-G. GRCh37 (hg19) VCF-style: chr2-189876429-A-G.
Other names: short protein forms I1444V.
Identifiers: ClinVar variation 919643 (VCV000919643.5), dbSNP rs1688730862, ClinGen allele CA349850354.
Genomic context (GRCh38, chr2:189,011,703, plus strand): 5'-TGGAGCAAAACAGTCTTTGAATATCGAACACGCAAGGCTGTGAGACTACCTATTGTAGAT[A>G]TTGCACCCTATGACATTGGTGGTCCTGATCAAGAATTTGGTGTGGACGTTGGCCCTGTTT-3'
Protein context (NP_000081.2, residues 1434-1454): RKAVRLPIVD[Ile1444Val]APYDIGGPDQ